The following is an entry in ClinVar:

ClinVar aggregate classification (germline): Uncertain significance (1 of 4 stars; one submission).

Conditions:
Inborn genetic diseases. Identifiers: MedGen C0950123, MeSH D030342.

Submission:

Ambry Genetics
Classification: Uncertain significance for Inborn genetic diseases. Last evaluated: 2022-09-01. Review status: criteria provided, single submitter. Criteria: Ambry Variant Classification Scheme 2023. Collection method: clinical testing. Allele origin: germline.
Comment: The c.6448G>T (p.V2150L) alteration is located in exon 48 (coding exon 45) of the HUWE1 gene. This alteration results from a G to T substitution at nucleotide position 6448, causing the valine (V) at amino acid position 2150 to be replaced by a leucine (L). This variant was not reported in population-based cohorts in the Genome Aggregation Database (gnomAD). This amino acid position is well conserved in available vertebrate species. This alteration is predicted to be tolerated by in silico analysis. Based on insufficient or conflicting evidence, the clinical significance of this alteration remains unclear.

NM_031407.7(HUWE1):c.6448G>T (p.Val2150Leu)

Gene: HUWE1 (HECT, UBA and WWE domain containing E3 ubiquitin protein ligase 1; minus strand). Cytogenetic location: Xp11.22.
Variant type: single nucleotide variant.
Coding change: c.6448G>T on transcript NM_031407.7 (MANE Select); coding-DNA position 6448, G replaced by T.
Protein change: p.Val2150Leu; replaces valine 2150 with leucine.
Molecular consequence: missense variant.
Genome position (GRCh38, 1-based): chrX:53,569,692, C>A on the plus strand (G>T on the coding strand, the complement: HUWE1 is on the minus strand). VCF-style: chrX-53569692-C-A. GRCh37 (hg19) VCF-style: chrX-53596652-C-A.
Other names: short protein forms V2150L.
Identifiers: ClinVar variation 2303628 (VCV002303628.2), dbSNP rs2524482150, ClinGen allele CA413164933.